The following is an entry in ClinVar:

ClinVar aggregate classification (germline): Pathogenic (1 of 4 stars; one submission).

Conditions:
Reticular dysgenesis. Also called: ALEUKOCYTOSIS; CONGENITAL ALEUKIA; HEMATOPOIETIC HYPOPLASIA, GENERALIZED; RETICULAR DYSGENESIA; SEVERE COMBINED IMMUNODEFICIENCY WITH LEUKOPENIA; DeVaal disease. Identifiers: Orphanet 33355, MedGen C0272167, MONDO:0009973, OMIM 267500.

Submission:

Labcorp Genetics (formerly Invitae), Labcorp
Classification: Pathogenic for Reticular dysgenesis. Last evaluated: 2025-04-08. Review status: criteria provided, single submitter. Criteria: Invitae Variant Classification Sherloc (09022015). Collection method: clinical testing. Allele origin: germline.
Comment: This sequence change creates a premature translational stop signal (p.Pro23Leufs*22) in the AK2 gene. It is expected to result in an absent or disrupted protein product. Loss-of-function variants in AK2 are known to be pathogenic (PMID: 19043416, 19043417, 19414857). This variant is not present in population databases (gnomAD no frequency). This variant has not been reported in the literature in individuals affected with AK2-related conditions. For these reasons, this variant has been classified as Pathogenic.

Literature cited by the submitters: PubMed 19043416; PubMed 19043417; PubMed 19414857.

NM_001625.4(AK2):c.66del (p.Pro23fs)

Genes: AK2 (adenylate kinase 2; minus strand), LOC129930068 (ATAC-STARR-seq lymphoblastoid active region 705; plus strand). Cytogenetic location: 1p35.1.
Variant type: Deletion.
Coding change: c.66del on transcript NM_001625.4 (MANE Select); coding-DNA position 66, one base deleted (G; older notation c.66delG).
Protein change: p.Pro23fs; shifts the reading frame from proline 23.
Molecular consequence: frameshift variant. On other transcripts: 5 prime UTR variant (2), non-coding transcript variant (1).
Genome position (GRCh38, 1-based): chr1:33,036,763, C deleted on the plus strand (G on the coding strand, the reverse complement: AK2 is on the minus strand); the first of 4 consecutive C bases (chr1:33,036,763-33,036,766); deleting any one gives the same sequence. VCF-style (leftmost placement, unchanged base first): chr1-33036762-GC-G. GRCh37 (hg19) VCF-style: chr1-33502363-GC-G.
Other names: c.66del, p.Pro23fs (NM_001199199.3, NM_001319141.3, NM_001319142.3 and 2 more transcripts); c.-197del (NM_001319139.3, NM_001319140.2); short protein forms P23fs.
Identifiers: ClinVar variation 4772296 (VCV004772296.1).